The following is an entry in ClinVar:

NM_005359.6(SMAD4):c.744G>A (p.Gln248=)

Gene: SMAD4 (SMAD family member 4; plus strand). Cytogenetic location: 18q21.2.
Variant type: single nucleotide variant.
Coding change: c.744G>A on transcript NM_005359.6 (MANE Select); coding-DNA position 744, G replaced by A.
Protein change: p.Gln248=; no amino-acid change (glutamine 248 retained).
Molecular consequence: synonymous variant. On other transcripts: non-coding transcript variant (2).
Genome position (GRCh38, 1-based): chr18:51,058,201, G>A. VCF-style: chr18-51058201-G-A. GRCh37 (hg19) VCF-style: chr18-48584571-G-A.
Other names: c.744G>A, p.Gln248= (NM_001407043.1, NM_001407041.1, NM_001407042.1).
Identifiers: ClinVar variation 3894252 (VCV003894252.2).

ClinVar aggregate classification (germline): Benign/Likely benign. Review status: criteria provided, multiple submitters, no conflicts (2 of 4 stars). 2 submissions from 2 submitters: Benign (1); Likely benign (1). Last evaluated 2025-03-19.

Conditions:
Juvenile polyposis/hereditary hemorrhagic telangiectasia syndrome (JPHT). Also called: JP/HHT SYNDROME; JUVENILE POLYPOSIS WITH HEREDITARY HEMORRHAGIC TELANGIECTASIA; POLYPOSIS, GENERALIZED JUVENILE, WITH PULMONARY ARTERIOVENOUS MALFORMATION; TELANGIECTASIA, HEREDITARY HEMORRHAGIC, WITH JUVENILE POLYPOSIS COLI; Juvenile Polyposis Syndrome / Hereditary Hemorrhagic Telangiectasia (JPS/HHT). Identifiers: Orphanet 2929, MedGen C1832942, MONDO:0008278, OMIM 175050.
Hereditary cancer-predisposing syndrome. Also called: Neoplastic Syndromes, Hereditary; Tumor predisposition; Hereditary neoplastic syndrome; Hereditary Cancer Syndrome. Identifiers: Orphanet 140162, MedGen C0027672, MeSH D009386, MONDO:0015356.

Submissions (2):

Myriad Genetics, Inc.
Classification: Benign for Juvenile polyposis/hereditary hemorrhagic telangiectasia syndrome. Last evaluated: 2025-03-19. Review status: criteria provided, single submitter. Criteria: Myriad Autosomal Dominant, Autosomal Recessive and X-Linked Classification Criteria (2023). Collection method: clinical testing. Allele origin: unknown.
Comment: This variant is considered benign. This variant is a silent/synonymous amino acid change and it is not expected to impact splicing.

Color Diagnostics, LLC DBA Color Health
Classification: Likely benign for Hereditary cancer-predisposing syndrome. Last evaluated: 2025-03-09. Review status: criteria provided, single submitter. Criteria: ACMG Guidelines, 2015. Collection method: clinical testing. Allele origin: germline.